The following is an entry in ClinVar:

ClinVar aggregate classification (germline): Likely benign (1 of 4 stars; one submission).

Submission:

GeneDx
Classification: Likely benign. Last evaluated: 2018-05-01. Review status: criteria provided, single submitter. Criteria: GeneDx Variant Classification (06012015). Collection method: clinical testing. Allele origin: germline. Affected: yes.
Comment: This variant is considered likely benign or benign based on one or more of the following criteria: it is a conservative change, it occurs at a poorly conserved position in the protein, it is predicted to be benign by multiple in silico algorithms, and/or has population frequency not consistent with disease.

NM_000169.2(GLA):c.-24T>G

Genes: GLA (galactosidase alpha; minus strand), RPL36A-HNRNPH2 (RPL36A-HNRNPH2 readthrough; plus strand). Cytogenetic location: Xq22.1.
Variant type: single nucleotide variant.
Coding change: c.-24T>G on transcript NM_000169.2; 24 bases upstream of the start codon, T replaced by G.
Molecular consequence: intron variant (on NM_001199974.2).
Genome position (GRCh38, 1-based): chrX:101,407,927, A>C on the plus strand (T>G on the coding strand, the complement: GLA is on the minus strand). VCF-style: chrX-101407927-A-C. GRCh37 (hg19) VCF-style: chrX-100662915-A-C.
Other names: c.178-4009A>C (NM_001199974.2); c.301-4009A>C (NM_001199973.2).
Identifiers: ClinVar variation 682310 (VCV000682310.3), dbSNP rs1603048396, ClinGen allele CA915951301.